The following is an entry in ClinVar:

NM_002076.4(GNS):c.1048G>A (p.Val350Ile)

Gene: GNS (glucosamine (N-acetyl)-6-sulfatase; minus strand). Cytogenetic location: 12q14.3.
Variant type: single nucleotide variant.
Coding change: c.1048G>A on transcript NM_002076.4 (MANE Select); coding-DNA position 1048, G replaced by A.
Protein change: p.Val350Ile; replaces valine 350 with isoleucine.
Molecular consequence: missense variant.
Genome position (GRCh38, 1-based): chr12:64,737,054, C>T on the plus strand (G>A on the coding strand, the complement: GNS is on the minus strand). VCF-style: chr12-64737054-C-T. GRCh37 (hg19) VCF-style: chr12-65130834-C-T.
Other names: short protein forms V350I.
Identifiers: ClinVar variation 2175293 (VCV002175293.1), dbSNP rs769308458, ClinGen allele CA6669769.

ClinVar aggregate classification (germline): Uncertain significance (1 of 4 stars; one submission).

Conditions:
Mucopolysaccharidosis, MPS-III-D (MPS3D). Also called: N-ACETYLGLUCOSAMINE-6-SULFATASE DEFICIENCY; SANFILIPPO SYNDROME D; MPS III D; Mucopoly-saccharidosis type 3D; N-acetylglucosamine-6-sulfate sulfatase deficiency; MPS 3D. Identifiers: Orphanet 581, Orphanet 79272, MedGen C0086650, MONDO:0009658, OMIM 252940.

Allele frequency attached by ClinVar (database versions not stated): gnomAD 0.00001; gnomAD exomes 0.00001; TOPMed below 0.00001; ExAC 0.00001.
gnomAD v4.1: 18 of 1,605,578 alleles (0.0011%); highest among the groups gnomAD compares: Non-Finnish European, 0.0015%; no homozygotes.

Submission:

Labcorp Genetics (formerly Invitae), Labcorp
Classification: Uncertain significance for Mucopolysaccharidosis, MPS-III-D. Last evaluated: 2022-07-01. Review status: criteria provided, single submitter. Criteria: Invitae Variant Classification Sherloc (09022015). Collection method: clinical testing. Allele origin: germline.
Comment: This sequence change replaces valine, which is neutral and non-polar, with isoleucine, which is neutral and non-polar, at codon 350 of the GNS protein (p.Val350Ile). This variant is present in population databases (rs769308458, gnomAD 0.007%). This variant has not been reported in the literature in individuals affected with GNS-related conditions. Algorithms developed to predict the effect of missense changes on protein structure and function (SIFT, PolyPhen-2, Align-GVGD) all suggest that this variant is likely to be disruptive. In summary, the available evidence is currently insufficient to determine the role of this variant in disease. Therefore, it has been classified as a Variant of Uncertain Significance.